The following is an entry in ClinVar:

NM_007118.4(TRIO):c.2968G>T (p.Glu990Ter)

Gene: TRIO (trio Rho guanine nucleotide exchange factor; plus strand). Cytogenetic location: 5p15.2.
Variant type: single nucleotide variant.
Coding change: c.2968G>T on transcript NM_007118.4 (MANE Select); coding-DNA position 2968, G replaced by T.
Protein change: p.Glu990Ter; replaces glutamic acid 990 with a stop codon.
Molecular consequence: nonsense. On other transcripts: non-coding transcript variant (1).
Genome position (GRCh38, 1-based): chr5:14,368,801, G>T. VCF-style: chr5-14368801-G-T. GRCh37 (hg19) VCF-style: chr5-14368910-G-T.
Other names: short protein forms E990*.
Identifiers: ClinVar variation 3973803 (VCV003973803.1).

ClinVar aggregate classification (germline): Pathogenic (1 of 4 stars; one submission).

Conditions:
Inborn genetic diseases. Identifiers: MedGen C0950123, MeSH D030342.

Submission:

Ambry Genetics
Classification: Pathogenic for Inborn genetic diseases. Last evaluated: 2025-06-09. Review status: criteria provided, single submitter. Criteria: Ambry Variant Classification Scheme 2023. Collection method: clinical testing. Allele origin: germline.
Comment: The c.2968G>T (p.E990*) alteration, located in exon 17 (coding exon 17) of the TRIO gene, consists of a G to T substitution at nucleotide position 2968. This changes the amino acid from a glutamic acid (E) to a stop codon at amino acid position 990. This alteration is expected to result in loss of function by premature protein truncation or nonsense-mediated mRNA decay. for TRIO-related neurodevelopmental disorder with microcephaly; however, it is unlikely to be causative of TRIO-related neurodevelopmental disorder with macrocephaly. This variant was not reported in population-based cohorts in the Genome Aggregation Database (gnomAD). Based on the available evidence, this alteration is classified as pathogenic.